The following is an entry in ClinVar:

NM_000138.5(FBN1):c.2987G>A (p.Cys996Tyr)

Gene: FBN1 (fibrillin 1; minus strand). Cytogenetic location: 15q21.1.
Variant type: single nucleotide variant.
Coding change: c.2987G>A on transcript NM_000138.5 (MANE Select); coding-DNA position 2987, G replaced by A.
Protein change: p.Cys996Tyr; replaces cysteine 996 with tyrosine.
Molecular consequence: missense variant.
Genome position (GRCh38, 1-based): chr15:48,489,946, C>T on the plus strand (G>A on the coding strand, the complement: FBN1 is on the minus strand). VCF-style: chr15-48489946-C-T. GRCh37 (hg19) VCF-style: chr15-48782143-C-T.
Other names: short protein forms C996Y.
Identifiers: ClinVar variation 1176339 (VCV001176339.38), dbSNP rs2141297233, ClinGen allele CA392329214.

ClinVar aggregate classification (germline): Pathogenic/Likely pathogenic. Review status: criteria provided, multiple submitters, no conflicts (2 of 4 stars). 3 submissions from 3 submitters: Pathogenic (2); Likely pathogenic (1). Last evaluated 2025-01-30.

Conditions:
FBN1-related disorder. Also called: FBN1-related disorders.
Marfan syndrome (MFS). Also called: Marfan syndrome type 1; Marfan's syndrome; MARFAN SYNDROME, TYPE I; FBN1-Related Marfan Syndrome; Marfan syndrome, classic. Identifiers: Orphanet 284963, Orphanet 558, MedGen C0024796, MONDO:0007947, OMIM 154700.
Familial thoracic aortic aneurysm and aortic dissection (TAAD). Also called: Thoracic aortic aneurysms and dissections. Identifiers: Orphanet 91387, MedGen C4707243, MONDO:0019625.

Submissions (3):

Labcorp Genetics (formerly Invitae), Labcorp
Classification: Pathogenic for Marfan syndrome; Familial thoracic aortic aneurysm and aortic dissection. Last evaluated: 2025-01-30. Review status: criteria provided, single submitter. Criteria: Invitae Variant Classification Sherloc (09022015). Collection method: clinical testing. Allele origin: germline.
Comment: This sequence change replaces cysteine, which is neutral and slightly polar, with tyrosine, which is neutral and polar, at codon 996 of the FBN1 protein (p.Cys996Tyr). This variant is not present in population databases (gnomAD no frequency). This missense change has been observed in individual(s) with FBN1-related conditions (PMID: 27611364). ClinVar contains an entry for this variant (Variation ID: 1176339). Invitae Evidence Modeling of protein sequence and biophysical properties (such as structural, functional, and spatial information, amino acid conservation, physicochemical variation, residue mobility, and thermodynamic stability) indicates that this missense variant is expected to disrupt FBN1 protein function with a positive predictive value of 95%. This variant affects a cysteine residue in the EGF-like, TGFBP or hybrid motif domains of FBN1. Cysteine residues are believed to be involved in intramolecular disulfide bridges and have been shown to be important for FBN1 protein structure (PMID: 16905551, 19349279). In addition, missense substitutions affecting cysteine residues within these domains are significantly overrepresented among patients with Marfan syndrome (PMID: 16571647, 17701892). This variant disrupts the p.Cys996 amino acid residue in FBN1. Other variant(s) that disrupt this residue have been observed in individuals with FBN1-related conditions (PMID: 25652356; internal data), which suggests that this may be a clinically significant amino acid residue. For these reasons, this variant has been classified as Pathogenic.

CeGaT Center for Human Genetics Tuebingen
Classification: Pathogenic. Last evaluated: 2021-05-01. Review status: criteria provided, single submitter. Criteria: CeGaT Center For Human Genetics Tuebingen Variant Classification Criteria Version 2. Collection method: clinical testing. Allele origin: germline. Affected: yes. Observed: 1 variant allele.

Blueprint Genetics
Classification: Likely pathogenic for FBN1-related disorders. Last evaluated: 2017-06-20. Review status: criteria provided, single submitter. Criteria: ACMG Guidelines, 2015. Collection method: clinical testing. Allele origin: germline. Affected: yes. Observed: 1 variant allele.

Literature cited by the submitters: PubMed 27611364 (cited by Labcorp Genetics (formerly Invitae), Labcorp); PubMed 16905551 (cited by Labcorp Genetics (formerly Invitae), Labcorp); PubMed 19349279 (cited by Labcorp Genetics (formerly Invitae), Labcorp); PubMed 16571647 (cited by Labcorp Genetics (formerly Invitae), Labcorp); PubMed 17701892 (cited by Labcorp Genetics (formerly Invitae), Labcorp); PubMed 25652356 (cited by Labcorp Genetics (formerly Invitae), Labcorp).